The following is an entry in ClinVar:

ClinVar aggregate classification (germline): Likely benign (1 of 4 stars; one submission).

Conditions:
KCNQ1-related disorder. Also called: KCNQ1-related disorders; KCNQ1-related condition. Identifiers: MedGen CN239322.

Submission:

PreventionGenetics, part of Exact Sciences
Classification: Likely benign for KCNQ1-related condition. Last evaluated: 2025-06-16. Review status: criteria provided, single submitter. Criteria: ACMG Guidelines, 2015. Collection method: clinical testing. Allele origin: germline.
Comment: This variant is classified as likely benign based on ACMG/AMP sequence variant interpretation guidelines (Richards et al. 2015 PMID: 25741868, with internal and published modifications).

NM_000218.3(KCNQ1):c.1514+37079C>T

Genes: KCNQ1 (potassium voltage-gated channel subfamily Q member 1; plus strand), KCNQ1OT1 (KCNQ1 opposite strand/antisense transcript 1; minus strand). Cytogenetic location: 11p15.5.
Variant type: single nucleotide variant.
Coding change: c.1514+37079C>T on transcript NM_000218.3 (MANE Select); 37079 bases into the intron after coding-DNA position 1514, C replaced by T.
Molecular consequence: intron variant. On other transcripts: non-coding transcript variant (1).
Genome position (GRCh38, 1-based): chr11:2,699,160, C>T. VCF-style: chr11-2699160-C-T. GRCh37 (hg19) VCF-style: chr11-2720390-C-T.
Other names: c.1244+37079C>T (NM_001406837.1); c.1418+37079C>T (NM_001406836.1); c.974+37079C>T (NM_001406838.1); c.1133+37079C>T (NM_181798.2).
Identifiers: ClinVar variation 4985140 (VCV004985140.1).
Genomic context (GRCh38, chr11:2,699,160, plus strand): 5'-CGCGGACTCAGAACCACGATGCGGATTCCAGACTCCAATCCCAATTCAGCCCACTCTGAA[C>T]CACCATGAGAACTATAGACCCGGAATCCGATCCTTGGGACGCGGCCAGGAACTCGGACCT-3'